The following is an entry in ClinVar:

ClinVar aggregate classification (germline): Uncertain significance (1 of 4 stars; one submission).

Submission:

Labcorp Genetics (formerly Invitae), Labcorp
Classification: Uncertain significance. Last evaluated: 2023-10-20. Review status: criteria provided, single submitter. Criteria: Invitae Variant Classification Sherloc (09022015). Collection method: clinical testing. Allele origin: germline.
Comment: This sequence change replaces isoleucine, which is neutral and non-polar, with valine, which is neutral and non-polar, at codon 304 of the KDF1 protein (p.Ile304Val). This variant is not present in population databases (gnomAD no frequency). This variant has not been reported in the literature in individuals affected with KDF1-related conditions. Advanced modeling of protein sequence and biophysical properties (such as structural, functional, and spatial information, amino acid conservation, physicochemical variation, residue mobility, and thermodynamic stability) performed at Invitae indicates that this missense variant is not expected to disrupt KDF1 protein function. In summary, the available evidence is currently insufficient to determine the role of this variant in disease. Therefore, it has been classified as a Variant of Uncertain Significance.

NM_152365.3(KDF1):c.910A>G (p.Ile304Val)

Gene: KDF1 (keratinocyte differentiation factor 1; minus strand). Cytogenetic location: 1p36.11.
Variant type: single nucleotide variant.
Coding change: c.910A>G on transcript NM_152365.3 (MANE Select); coding-DNA position 910, A replaced by G.
Protein change: p.Ile304Val; replaces isoleucine 304 with valine.
Molecular consequence: missense variant.
Genome position (GRCh38, 1-based): chr1:26,951,471, T>C on the plus strand (A>G on the coding strand, the complement: KDF1 is on the minus strand). VCF-style: chr1-26951471-T-C. GRCh37 (hg19) VCF-style: chr1-27277962-T-C.
Other names: short protein forms I304V.
Identifiers: ClinVar variation 2758886 (VCV002758886.3), dbSNP rs2522715466, ClinGen allele CA339159260.